The following is an entry in ClinVar:

ClinVar aggregate classification (germline): Benign. Review status: criteria provided, multiple submitters, no conflicts (2 of 4 stars). 5 submissions from 5 submitters: Benign (5). Last evaluated 2026-01-29.

Conditions:
MPDU1-congenital disorder of glycosylation. Also called: CONGENITAL DISORDER OF GLYCOSYLATION, TYPE If; CDG If; MPDU1-CDG. Identifiers: Orphanet 79323, MedGen C1836669, MONDO:0012211, OMIM 609180.

Allele frequency attached by ClinVar (database versions not stated): 1000 Genomes Project 30x 0.01483; ESP Exome Variant Server 0.00085; 1000 Genomes Project 0.01617; TOPMed 0.00358.

Submissions (5):

Labcorp Genetics (formerly Invitae), Labcorp
Classification: Benign for MPDU1-congenital disorder of glycosylation. Last evaluated: 2026-01-29. Review status: criteria provided, single submitter. Criteria: Invitae Variant Classification Sherloc (09022015). Collection method: clinical testing. Allele origin: germline.

Illumina Laboratory Services, Illumina
Classification: Benign for MPDU1-congenital disorder of glycosylation. Last evaluated: 2018-01-12. Review status: criteria provided, single submitter. Criteria: ICSL Variant Classification Criteria 13 December 2019. Collection method: clinical testing. Allele origin: germline.
Comment: This variant was observed in the ICSL laboratory as part of a predisposition screen in an ostensibly healthy population. It had not been previously curated by ICSL or reported in the Human Gene Mutation Database (HGMD: prior to June 1st, 2018), and was therefore a candidate for classification through an automated scoring system. Utilizing variant allele frequency, disease prevalence and penetrance estimates, and inheritance mode, an automated score was calculated to assess if this variant is too frequent to cause the disease. Based on the score and internal cut-off values, a variant classified as benign is not then subjected to further curation. The score for this variant resulted in a classification of benign for this disease.

Eurofins Ntd Llc (ga)
Classification: Benign. Last evaluated: 2017-02-06. Review status: criteria provided, single submitter. Criteria: EGL Classification Definitions 2015. Collection method: clinical testing. Allele origin: germline. Observed: 2 variant alleles, 2 heterozygotes.

GeneDx
Classification: Benign. Last evaluated: 2017-01-17. Review status: criteria provided, single submitter. Criteria: GeneDx Variant Classification (06012015). Collection method: clinical testing. Allele origin: germline. Affected: yes.
Comment: This variant is considered likely benign or benign based on one or more of the following criteria: it is a conservative change, it occurs at a poorly conserved position in the protein, it is predicted to be benign by multiple in silico algorithms, and/or has population frequency not consistent with disease.

Breakthrough Genomics
Classification: Benign. Review status: criteria provided, single submitter. Criteria: ACMG Guidelines, 2015. Collection method: not provided. Allele origin: germline. Inheritance: Autosomal recessive inheritance. Affected: yes.

NM_004870.4(MPDU1):c.403G>C (p.Ala135Pro)

Gene: MPDU1 (mannose-P-dolichol utilization defect 1; plus strand). Cytogenetic location: 17p13.1.
Variant type: single nucleotide variant.
Coding change: c.403G>C on transcript NM_004870.4 (MANE Select); coding-DNA position 403, G replaced by C.
Protein change: p.Ala135Pro; replaces alanine 135 with proline.
Molecular consequence: missense variant. On other transcripts: non-coding transcript variant (1), intron variant (1).
Genome position (GRCh38, 1-based): chr17:7,586,913, G>C. VCF-style: chr17-7586913-G-C. GRCh37 (hg19) VCF-style: chr17-7490231-G-C.
Other names: c.449+75G>C (NM_001330073.1); short protein forms A135P.
Identifiers: ClinVar variation 95180 (VCV000095180.19), dbSNP rs137983973, ClinGen allele CA222798.